The following is an entry in ClinVar:

NM_001458.5(FLNC):c.1648A>G (p.Thr550Ala)

Gene: FLNC (filamin C; plus strand). Cytogenetic location: 7q32.1.
Variant type: single nucleotide variant.
Coding change: c.1648A>G on transcript NM_001458.5 (MANE Select); coding-DNA position 1648, A replaced by G.
Protein change: p.Thr550Ala; replaces threonine 550 with alanine.
Molecular consequence: missense variant.
Genome position (GRCh38, 1-based): chr7:128,840,646, A>G. VCF-style: chr7-128840646-A-G. GRCh37 (hg19) VCF-style: chr7-128480700-A-G.
Other names: c.1648A>G, p.Thr550Ala (NM_001127487.2); short protein forms T550A.
Identifiers: ClinVar variation 3571707 (VCV003571707.1).

ClinVar aggregate classification (germline): Uncertain significance (1 of 4 stars; one submission).

Submission:

Athena Diagnostics
Classification: Uncertain significance. Last evaluated: 2024-07-01. Review status: criteria provided, single submitter. Criteria: Athena Diagnostics Criteria. Collection method: clinical testing. Allele origin: unknown.
Comment: Available data are insufficient to determine the clinical significance of the variant at this time. This variant has not been reported in large, multi-ethnic general populations. Polyphen and MutationTaster predict this amino acid change may be benign.